The following is an entry in ClinVar:

NM_003238.6(TGFB2):c.821dup (p.Asn274fs)

Gene: TGFB2 (transforming growth factor beta 2; plus strand). Cytogenetic location: 1q41.
Variant type: Duplication.
Coding change: c.821dup on transcript NM_003238.6 (MANE Select); coding-DNA position 821, one base duplicated (A; older notation c.821dupA).
Protein change: p.Asn274fs; shifts the reading frame from asparagine 274.
Molecular consequence: frameshift variant.
Genome position (GRCh38, 1-based): chr1:218,436,036, A duplicated; the last of 8 consecutive A bases (chr1:218,436,029-218,436,036); duplicating any one gives the same sequence. VCF-style (leftmost placement, unchanged base first): chr1-218436028-G-GA. GRCh37 (hg19) VCF-style: chr1-218609370-G-GA.
Other names: c.905dup, p.Asn302fs (NM_001135599.4); short protein forms N302fs, N274fs.
Identifiers: ClinVar variation 213849 (VCV000213849.22), dbSNP rs863223796, ClinGen allele CA322262.
Genomic context (GRCh38, chr1:218,436,028, plus strand): 5'-AGGTATTGATGGCACCTCCACATATACCAGTGGTGATCAGAAAACTATAAAGTCCACTAG[G>GA]AAAAAAAACAGTGGGAAGACCCCACATCTCCTGCTAATGTTATTGCCCTCCTACAGACTT-3'

ClinVar aggregate classification (germline): Pathogenic/Likely pathogenic. Review status: criteria provided, multiple submitters, no conflicts (2 of 4 stars). 6 submissions from 6 submitters: Pathogenic (5); Likely pathogenic (1). Last evaluated 2024-12-04.

Conditions:
TGFB2-related disorder. Also called: TGFB2-related condition.
Loeys-Dietz syndrome 4 (LDS4). Also called: TGFB2-Related Loeys-Dietz Syndrome; ANEURYSM, AORTIC AND CEREBRAL, WITH ARTERIAL TORTUOSITY AND SKELETAL MANIFESTATIONS. Identifiers: MedGen C3553762, MONDO:0013897, OMIM 614816.
Familial thoracic aortic aneurysm and aortic dissection (TAAD). Also called: Thoracic aortic aneurysms and dissections. Identifiers: Orphanet 91387, MedGen C4707243, MONDO:0019625.

Submissions (6):

Laboratorio de Genetica e Diagnostico Molecular, Hospital Israelita Albert Einstein
Classification: Pathogenic for Loeys-Dietz syndrome 4. Last evaluated: 2024-12-04. Review status: criteria provided, single submitter. Criteria: ACMG Guidelines, 2015. Collection method: clinical testing. Allele origin: germline. Affected: yes.
Comment: ACMG classification criteria: PVS1 very strong, PS4 supporting, PM2 supporting

Labcorp Genetics (formerly Invitae), Labcorp
Classification: Pathogenic for Loeys-Dietz syndrome 4. Last evaluated: 2024-03-08. Review status: criteria provided, single submitter. Criteria: Invitae Variant Classification Sherloc (09022015). Collection method: clinical testing. Allele origin: germline.
Comment: This sequence change creates a premature translational stop signal (p.Asn274Lysfs*19) in the TGFB2 gene. It is expected to result in an absent or disrupted protein product. Loss-of-function variants in TGFB2 are known to be pathogenic (PMID: 22772368, 22772371, 30739908). The frequency data for this variant in the population databases is considered unreliable, as metrics indicate poor data quality at this position in the gnomAD database. This variant has not been reported in the literature in individuals affected with TGFB2-related conditions. ClinVar contains an entry for this variant (Variation ID: 213849). For these reasons, this variant has been classified as Pathogenic.

Blueprint Genetics
Classification: Likely pathogenic for TGFB2-related disorders. Last evaluated: 2023-07-21. Review status: criteria provided, single submitter. Criteria: ACMG Guidelines, 2015. Collection method: clinical testing. Allele origin: germline. Affected: yes. Observed: 3 variant alleles.

CHEO Genetics Diagnostic Laboratory, Children's Hospital of Eastern Ontario
Classification: Pathogenic for Familial thoracic aortic aneurysm and aortic dissection. Last evaluated: 2018-07-19. Review status: criteria provided, single submitter. Criteria: ACMG Guidelines, 2015. Collection method: clinical testing. Allele origin: germline.

ARUP Laboratories, Molecular Genetics and Genomics, ARUP Laboratories
Classification: Pathogenic. Last evaluated: 2016-12-21. Review status: criteria provided, single submitter. Criteria: ARUP Molecular Germline Variant Investigation Process. Collection method: clinical testing. Allele origin: germline.

GeneDx
Classification: Pathogenic. Last evaluated: 2015-05-12. Review status: criteria provided, single submitter. Criteria: GeneDx Variant Classification (06012015). Collection method: clinical testing. Allele origin: germline. Affected: yes.
Comment: Although the c.821dupA pathogenic variant in the TGFB2 gene has not been reported to our knowledge, this variant causes a shift in reading frame starting at codon Asparagine 274, changing it to a Lysine, and creating a premature stop codon at position 19 of the new reading frame, denoted p.Asn274LysfsX19. This variant is expected to result in either an abnormal, truncated protein product or loss of protein from this allele through nonsense-mediated mRNA decay. Other frameshift pathogenic variants in the TGFB2 gene have been reported in the Human Gene Mutation Database in association with thoracic aortic aneurysms and dissections (Stenson P et al., 2014). Furthermore, the c.821dupA variant was not observed in approximately 6,500 individuals of European and African American ancestry in the NHLBI Exome Sequencing Project, indicating it is not a common benign variant in these populations.

Literature cited by the submitters: PubMed 22772368 (cited by Labcorp Genetics (formerly Invitae), Labcorp); PubMed 22772371 (cited by Labcorp Genetics (formerly Invitae), Labcorp); PubMed 30739908 (cited by Labcorp Genetics (formerly Invitae), Labcorp).